The following is an entry in ClinVar:

NM_006947.4(SRP72):c.1535T>C (p.Met512Thr)

Gene: SRP72 (signal recognition particle 72; plus strand). Cytogenetic location: 4q12.
Variant type: single nucleotide variant.
Coding change: c.1535T>C on transcript NM_006947.4 (MANE Select); coding-DNA position 1535, T replaced by C.
Protein change: p.Met512Thr; replaces methionine 512 with threonine.
Molecular consequence: missense variant. On other transcripts: non-coding transcript variant (1).
Genome position (GRCh38, 1-based): chr4:56,491,463, T>C. VCF-style: chr4-56491463-T-C. GRCh37 (hg19) VCF-style: chr4-57357629-T-C.
Other names: c.1352T>C, p.Met451Thr (NM_001267722.2); short protein forms M451T, M512T.
Identifiers: ClinVar variation 3449415 (VCV003449415.3).

ClinVar aggregate classification (germline): Uncertain significance. Review status: criteria provided, multiple submitters, no conflicts (2 of 4 stars). 2 submissions from 2 submitters: Uncertain significance (2). Last evaluated 2024-11-28.

gnomAD v4.1: 1 of 1,614,002 alleles (0.000062%); highest among the groups gnomAD compares: Non-Finnish European, 0.000085%; no homozygotes.

Submissions (2):

Ambry Genetics
Classification: Uncertain significance. Last evaluated: 2024-11-28. Review status: criteria provided, single submitter. Criteria: Ambry Variant Classification Scheme 2023. Collection method: clinical testing. Allele origin: germline.
Comment: The p.M512T variant (also known as c.1535T>C), located in coding exon 16 of the SRP72 gene, results from a T to C substitution at nucleotide position 1535. The methionine at codon 512 is replaced by threonine, an amino acid with similar properties. This amino acid position is conserved. In addition, this alteration is predicted to be deleterious by in silico analysis. Based on the available evidence, the clinical significance of this variant remains unclear.

Labcorp Genetics (formerly Invitae), Labcorp
Classification: Uncertain significance. Last evaluated: 2024-02-17. Review status: criteria provided, single submitter. Criteria: Invitae Variant Classification Sherloc (09022015). Collection method: clinical testing. Allele origin: germline.
Comment: This sequence change replaces methionine, which is neutral and non-polar, with threonine, which is neutral and polar, at codon 512 of the SRP72 protein (p.Met512Thr). This variant is not present in population databases (gnomAD no frequency). This variant has not been reported in the literature in individuals affected with SRP72-related conditions. Advanced modeling of protein sequence and biophysical properties (such as structural, functional, and spatial information, amino acid conservation, physicochemical variation, residue mobility, and thermodynamic stability) performed at Invitae indicates that this missense variant is not expected to disrupt SRP72 protein function with a negative predictive value of 80%. In summary, the available evidence is currently insufficient to determine the role of this variant in disease. Therefore, it has been classified as a Variant of Uncertain Significance.